The following is an entry in ClinVar:

NM_001253852.3(AP4B1):c.112A>G (p.Arg38Gly)

Genes: AP4B1 (adaptor related protein complex 4 subunit beta 1; minus strand), LOC129931235 (ATAC-STARR-seq lymphoblastoid active region 1540; plus strand). Cytogenetic location: 1p13.2.
Variant type: single nucleotide variant.
Coding change: c.112A>G on transcript NM_001253852.3 (MANE Select); coding-DNA position 112, A replaced by G.
Protein change: p.Arg38Gly; replaces arginine 38 with glycine.
Molecular consequence: missense variant. On other transcripts: 5 prime UTR variant (1).
Genome position (GRCh38, 1-based): chr1:113,904,606, T>C on the plus strand (A>G on the coding strand, the complement: AP4B1 is on the minus strand). VCF-style: chr1-113904606-T-C. GRCh37 (hg19) VCF-style: chr1-114447228-T-C.
Other names: c.-58A>G (NM_001253853.3); c.112A>G, p.Arg38Gly (NM_001308312.2, NM_006594.5); c.112A>G (NM_006594.2); short protein forms R38G.
Identifiers: ClinVar variation 472192 (VCV000472192.6), dbSNP rs773391519, ClinGen allele CA1016205.
Genomic context (GRCh38, chr1:113,904,606, plus strand): 5'-TGAGCCCTGATGGGGATTGCAAAGGGAGCAGTTAGCACGCGAAGGGAGGTAGGTGATACC[T>C]AATCACTCGCTGGATGACATTCCGGTAGCGCAGCCTATCAGCTTGAATGTGAGGATTGCA-3'
Protein context (NP_001240781.1, residues 28-48): RYRNVIQRVI[Arg38Gly]YMTQGLDMSG

ClinVar aggregate classification (germline): Uncertain significance. Review status: criteria provided, multiple submitters, no conflicts (2 of 4 stars). 3 submissions from 3 submitters: Uncertain significance (3). Last evaluated 2023-04-11.

Conditions:
Hereditary spastic paraplegia 47. Also called: CEREBRAL PALSY, SPASTIC QUADRIPLEGIC, 5; adaptor protein 4 (AP-4) deficiency syndrome; Spastic paraplegia 47, autosomal recessive. Identifiers: Orphanet 280763, MedGen C3279738, MONDO:0013551, OMIM 614066.
Inborn genetic diseases. Identifiers: MedGen C0950123, MeSH D030342.

Allele frequency attached by ClinVar (database versions not stated): gnomAD exomes below 0.00001 and 0.00001; ExAC 0.00001.

Submissions (3):

Genome-Nilou Lab
Classification: Uncertain significance for Hereditary spastic paraplegia 47. Last evaluated: 2023-04-11. Review status: criteria provided, single submitter. Criteria: ACMG Guidelines, 2015. Collection method: clinical testing. Allele origin: germline. Affected: no.

Labcorp Genetics (formerly Invitae), Labcorp
Classification: Uncertain significance for Hereditary spastic paraplegia 47. Last evaluated: 2022-06-27. Review status: criteria provided, single submitter. Criteria: Invitae Variant Classification Sherloc (09022015). Collection method: clinical testing. Allele origin: germline.
Comment: This sequence change replaces arginine, which is basic and polar, with glycine, which is neutral and non-polar, at codon 38 of the AP4B1 protein (p.Arg38Gly). This variant is present in population databases (rs773391519, gnomAD 0.006%). This variant has not been reported in the literature in individuals affected with AP4B1-related conditions. ClinVar contains an entry for this variant (Variation ID: 472192). Algorithms developed to predict the effect of missense changes on protein structure and function are either unavailable or do not agree on the potential impact of this missense change (SIFT: "Deleterious"; PolyPhen-2: "Probably Damaging"; Align-GVGD: "Class C0"). Algorithms developed to predict the effect of sequence changes on RNA splicing suggest that this variant may disrupt the consensus splice site. In summary, the available evidence is currently insufficient to determine the role of this variant in disease. Therefore, it has been classified as a Variant of Uncertain Significance.

Ambry Genetics
Classification: Uncertain significance for Inborn genetic diseases. Last evaluated: 2021-07-20. Review status: criteria provided, single submitter. Criteria: Ambry Variant Classification Scheme 2023. Collection method: clinical testing. Allele origin: germline.